The following is an entry in ClinVar:

ClinVar aggregate classification (germline): Benign/Likely benign. Review status: criteria provided, multiple submitters, no conflicts (2 of 4 stars). 3 submissions from 3 submitters: Benign (1); Likely benign (2). Last evaluated 2026-09-01.

Allele frequency attached by ClinVar (database versions not stated): gnomAD exomes 0.00032; gnomAD 0.00292 and 0.00316; TOPMed 0.00317; ESP Exome Variant Server 0.00392; 1000 Genomes Project 0.00419; 1000 Genomes Project 30x 0.00437.
gnomAD v4.1: 972 of 1,614,024 alleles (0.06%); highest among the groups gnomAD compares: African/African-American, 0.97%; 7 homozygotes.

Submissions (3):

CeGaT Center for Human Genetics Tuebingen
Classification: Likely benign. Last evaluated: 2026-09-01. Review status: criteria provided, single submitter. Criteria: CeGaT Center For Human Genetics Tuebingen Variant Classification Criteria Version 2. Collection method: clinical testing. Allele origin: germline. Affected: yes. Observed: 2 variant alleles.
Comment: GORAB: BP4, BP7

Labcorp Genetics (formerly Invitae), Labcorp
Classification: Benign. Last evaluated: 2026-02-02. Review status: criteria provided, single submitter. Criteria: Invitae Variant Classification Sherloc (09022015). Collection method: clinical testing. Allele origin: germline.

Blueprint Genetics
Classification: Likely benign. Last evaluated: 2024-08-27. Review status: criteria provided, single submitter. Criteria: ACMG Guidelines, 2015. Collection method: clinical testing. Allele origin: germline.

NM_152281.3(GORAB):c.882C>T (p.His294=)

Gene: GORAB (golgin, RAB6 interacting; plus strand). Cytogenetic location: 1q24.2.
Variant type: single nucleotide variant.
Coding change: c.882C>T on transcript NM_152281.3 (MANE Select); coding-DNA position 882, C replaced by T.
Protein change: p.His294=; no amino-acid change (histidine 294 retained).
Molecular consequence: synonymous variant. On other transcripts: non-coding transcript variant (1).
Genome position (GRCh38, 1-based): chr1:170,552,234, C>T. VCF-style: chr1-170552234-C-T. GRCh37 (hg19) VCF-style: chr1-170521375-C-T.
Other names: c.417C>T, p.His139= (NM_001320252.2).
Identifiers: ClinVar variation 783300 (VCV000783300.33), dbSNP rs61730983, ClinGen allele CA1239260.